The following is an entry in ClinVar:

NM_006531.5(IFT88):c.888G>C (p.Glu296Asp)

Gene: IFT88 (intraflagellar transport 88; plus strand). Cytogenetic location: 13q12.11.
Variant type: single nucleotide variant.
Coding change: c.888G>C on transcript NM_006531.5 (MANE Select); coding-DNA position 888, G replaced by C.
Protein change: p.Glu296Asp; replaces glutamic acid 296 with aspartic acid.
Molecular consequence: missense variant. On other transcripts: non-coding transcript variant (5), intron variant (7).
Genome position (GRCh38, 1-based): chr13:20,601,780, G>C. VCF-style: chr13-20601780-G-C. GRCh37 (hg19) VCF-style: chr13-21175919-G-C.
Other names: c.831G>C, p.Glu277Asp (NM_001318491.2, NM_001353573.2, NM_001353575.2); c.915G>C, p.Glu305Asp (NM_001318493.2, NM_001353565.2, NM_001353566.2 and 2 more transcripts); c.888G>C, p.Glu296Asp (NM_001353568.2, NM_001353572.2); c.255G>C, p.Glu85Asp (NM_001353579.2); c.883+32G>C (NM_001353570.2, NM_001353576.2, NM_001353577.2 and 1 more transcripts); c.856+32G>C (NM_001353571.2, NM_001353578.2); c.799+32G>C (NM_001353574.2); short protein forms E296D, E277D, E305D, E85D.
Identifiers: ClinVar variation 1443795 (VCV001443795.6), dbSNP rs749816231, ClinGen allele CA6905211.
Genomic context (GRCh38, chr13:20,601,780, plus strand): 5'-GAATATTGGAGTTACATTTATTCAGGCTGGTCAGTATTCAGATGCTATTAATTCATATGA[G>C]CACATAATGAGCATGGCACCAAATCTGAAGGCAGGCTACAACCTAACTATCTGTTATTTT-3'
Protein context (NP_006522.2, residues 286-306): GQYSDAINSY[Glu296Asp]HIMSMAPNLK

ClinVar aggregate classification (germline): Uncertain significance (1 of 4 stars; one submission).

Allele frequency attached by ClinVar (database versions not stated): gnomAD 0.00002; TOPMed 0.00004; gnomAD exomes 0.00006 and 0.00015; ExAC 0.00012.
gnomAD v4.1: 37 of 1,613,172 alleles (0.0023%); highest among the groups gnomAD compares: Admixed American, 0.062%; no homozygotes.

Submission:

Labcorp Genetics (formerly Invitae), Labcorp
Classification: Uncertain significance. Last evaluated: 2025-09-08. Review status: criteria provided, single submitter. Criteria: Invitae Variant Classification Sherloc (09022015). Collection method: clinical testing. Allele origin: germline.
Comment: This sequence change replaces glutamic acid, which is acidic and polar, with aspartic acid, which is acidic and polar, at codon 305 of the IFT88 protein (p.Glu305Asp). This variant is present in population databases (rs749816231, gnomAD 0.1%), and has an allele count higher than expected for a pathogenic variant. This missense change has been observed in individual(s) with isolated cleft lip and palate (PMID: 28069795). ClinVar contains an entry for this variant (Variation ID: 1443795). An algorithm developed to predict the effect of missense changes on protein structure and function (PolyPhen-2) suggests that this variant is likely to be tolerated. In summary, the available evidence is currently insufficient to determine the role of this variant in disease. Therefore, it has been classified as a Variant of Uncertain Significance.

Literature cited by the submitters: PubMed 28069795.